The following is an entry in ClinVar:

NM_000020.3(ACVRL1):c.772+1G>C

Gene: ACVRL1 (activin A receptor like type 1; plus strand). Cytogenetic location: 12q13.13.
Variant type: single nucleotide variant.
Coding change: c.772+1G>C on transcript NM_000020.3 (MANE Select); the canonical splice donor site of the intron after coding-DNA position 772, G replaced by C.
Molecular consequence: splice donor variant.
Genome position (GRCh38, 1-based): chr12:51,914,586, G>C. VCF-style: chr12-51914586-G-C. GRCh37 (hg19) VCF-style: chr12-52308370-G-C.
Other names: c.772+1G>C (NM_001406487.1, NM_001406488.1, NM_001077401.2 and 1 more transcripts); c.460+1G>C (NM_001406491.1, NM_001406490.1, NM_001406492.1 and 2 more transcripts); c.208+1G>C (NM_001406495.1).
Identifiers: ClinVar variation 835700 (VCV000835700.13), dbSNP rs1940785759, ClinGen allele CA384900271.

ClinVar aggregate classification (germline): Pathogenic. Review status: criteria provided, multiple submitters, no conflicts (2 of 4 stars). 4 submissions from 4 submitters: Pathogenic (4). Last evaluated 2025-05-11.

Conditions:
Cardiovascular phenotype. Identifiers: MedGen CN230736.
Telangiectasia, hereditary hemorrhagic, type 2 (HHT2). Also called: Telangiectasia, hereditary hemorrhagic, type II; ACVRL1-Related Hereditary Hemorrhagic Telangiectasia. Identifiers: Orphanet 774, MedGen C1838163, MONDO:0010880, OMIM 600376. Disease mechanism: loss of function.

Submissions (4):

Labcorp Genetics (formerly Invitae), Labcorp
Classification: Pathogenic for Telangiectasia, hereditary hemorrhagic, type 2. Last evaluated: 2025-05-11. Review status: criteria provided, single submitter. Criteria: Invitae Variant Classification Sherloc (09022015). Collection method: clinical testing. Allele origin: germline.
Comment: This sequence change affects a donor splice site in intron 6 of the ACVRL1 gene. It is expected to disrupt RNA splicing. Variants that disrupt the donor or acceptor splice site typically lead to a loss of protein function (PMID: 16199547), and loss-of-function variants in ACVRL1 are known to be pathogenic (PMID: 15879500). This variant is not present in population databases (gnomAD no frequency). Disruption of this splice site has been observed in individual(s) with hereditary hemorrhagic telangiectasia (internal data). ClinVar contains an entry for this variant (Variation ID: 835700). Algorithms developed to predict the effect of sequence changes on RNA splicing suggest that this variant may disrupt the consensus splice site. For these reasons, this variant has been classified as Pathogenic.

ARUP Laboratories, Molecular Genetics and Genomics, ARUP Laboratories
Classification: Pathogenic for Telangiectasia, hereditary hemorrhagic, type 2. Last evaluated: 2023-04-10. Review status: criteria provided, single submitter. Criteria: ARUP Molecular Germline Variant Investigation Process 2024. Collection method: clinical testing. Allele origin: germline.
Comment: The ACVRL1 c.772+1G>C variant (rs1940785759), to our knowledge, is not reported in the medical literature but is reported in ClinVar (Variation ID: 835700). Different variants at this splice junction (c.773-1G>A, c.773-2A>C, c.773-2A>G) have been seen in individuals suspected of having HHT (ARUP internal data, Lesca 2004). The c.772+1G>C variant is absent from the Genome Aggregation Database, indicating it is not a common polymorphism. This variant disrupts the canonical splice donor site of intron 6, which is likely to negatively impact gene function. Based on available information, this variant is considered to be pathogenic. References: Lesca G et al. Molecular screening of ALK1/ACVRL1 and ENG genes in hereditary hemorrhagic telangiectasia in France. Hum Mutat. 2004 Apr;23(4):289-99. PMID: 15024723.

Mayo Clinic Laboratories, Mayo Clinic
Classification: Pathogenic. Last evaluated: 2022-12-15. Review status: criteria provided, single submitter. Criteria: ACMG Guidelines, 2015. Collection method: clinical testing. Allele origin: germline. Observed: 1 variant allele.
Comment: PM2_supporting, PS4_moderate, PVS1_strong

Ambry Genetics
Classification: Pathogenic for Cardiovascular phenotype. Last evaluated: 2021-04-01. Review status: criteria provided, single submitter. Criteria: Ambry Variant Classification Scheme 2023. Collection method: clinical testing. Allele origin: germline.
Comment: The c.772+1G>C intronic pathogenic mutation results from a G to C substitution one nucleotide after coding exon 5 of the ACVRL1 gene. Alterations that disrupt the canonical splice site are expected to result in aberrant splicing. In silico splice site analysis predicts that this alteration may weaken the native splice donor site. The resulting transcript is predicted to be in-frame and is not expected to trigger nonsense-mediated mRNAdecay; however, direct evidence is unavailable. The exact functional effect of the missing amino acids is unknown; however, the impacted region is critical for protein function (Ambry internal data). This variant has been detected in individuals with a clinical diagnosis of hereditary hemorrhagic telangiectasia (Ambry internal data). Based on the supporting evidence, this alteration is interpreted as a disease-causing mutation.

Literature cited by the submitters: PubMed 16199547 (cited by Labcorp Genetics (formerly Invitae), Labcorp); PubMed 15879500 (cited by Labcorp Genetics (formerly Invitae), Labcorp).